The following is an entry in ClinVar:

ClinVar aggregate classification (germline): Uncertain significance (1 of 4 stars; one submission).

Submission:

Labcorp Genetics (formerly Invitae), Labcorp
Classification: Uncertain significance. Last evaluated: 2024-04-07. Review status: criteria provided, single submitter. Criteria: Invitae Variant Classification Sherloc (09022015). Collection method: clinical testing. Allele origin: germline.
Comment: This sequence change replaces alanine, which is neutral and non-polar, with valine, which is neutral and non-polar, at codon 297 of the IKZF1 protein (p.Ala297Val). This variant is not present in population databases (gnomAD no frequency). This variant has not been reported in the literature in individuals affected with IKZF1-related conditions. An algorithm developed to predict the effect of missense changes on protein structure and function (PolyPhen-2) suggests that this variant is likely to be tolerated. In summary, the available evidence is currently insufficient to determine the role of this variant in disease. Therefore, it has been classified as a Variant of Uncertain Significance.

NM_006060.6(IKZF1):c.890C>T (p.Ala297Val)

Gene: IKZF1 (IKAROS family zinc finger 1; plus strand). Cytogenetic location: 7p12.2.
Variant type: single nucleotide variant.
Coding change: c.890C>T on transcript NM_006060.6 (MANE Select); coding-DNA position 890, C replaced by T.
Protein change: p.Ala297Val; replaces alanine 297 with valine.
Molecular consequence: missense variant.
Genome position (GRCh38, 1-based): chr7:50,399,957, C>T. VCF-style: chr7-50399957-C-T. GRCh37 (hg19) VCF-style: chr7-50467655-C-T.
Other names: c.764C>T, p.Ala255Val (NM_001220765.3, NM_001291837.2); c.599C>T, p.Ala200Val (NM_001220767.2); c.629C>T, p.Ala210Val (NM_001220768.2, NM_001291838.2); c.473C>T, p.Ala158Val (NM_001220770.2); c.461C>T, p.Ala154Val (NM_001220771.2, NM_001291841.1); c.503C>T, p.Ala168Val (NM_001291839.2); c.200C>T, p.Ala67Val (NM_001291840.1); c.431C>T, p.Ala144Val (NM_001291842.1); and 3 more; short protein forms A112V, A154V, A158V, A102V, A210V, A297V, A168V, A200V.
Identifiers: ClinVar variation 3649086 (VCV003649086.2).
Genomic context (GRCh38, chr7:50,399,957, plus strand): 5'-ACTGTCGCCTGCTTTCCACAGGGGACAAGGGCCTGTCCGACACGCCCTACGACAGCAGCG[C>T]CAGCTACGAGAAGGAGAACGAAATGATGAAGTCCCACGTGATGGACCAAGCCATCAACAA-3'
Protein context (NP_006051.1, residues 287-307): GLSDTPYDSS[Ala297Val]SYEKENEMMK